The following is an entry in ClinVar:

NM_002691.4(POLD1):c.772A>G (p.Thr258Ala)

Gene: POLD1 (DNA polymerase delta 1, catalytic subunit; plus strand). Cytogenetic location: 19q13.33.
Variant type: single nucleotide variant.
Coding change: c.772A>G on transcript NM_002691.4 (MANE Select); coding-DNA position 772, A replaced by G.
Protein change: p.Thr258Ala; replaces threonine 258 with alanine.
Molecular consequence: missense variant. On other transcripts: non-coding transcript variant (1).
Genome position (GRCh38, 1-based): chr19:50,402,467, A>G. VCF-style: chr19-50402467-A-G. GRCh37 (hg19) VCF-style: chr19-50905724-A-G.
Other names: c.772A>G, p.Thr258Ala (NM_001256849.1, NM_001308632.1); short protein forms T258A.
Identifiers: ClinVar variation 2856099 (VCV002856099.3), dbSNP rs1340276098, ClinGen allele CA406974824.

ClinVar aggregate classification (germline): Uncertain significance (1 of 4 stars; one submission).

Conditions:
POLD1-related polyposis and colorectal cancer syndrome (CRCS10). Also called: Colorectal cancer 10; COLORECTAL CANCER, SUSCEPTIBILITY TO, ON CHROMOSOME 19q; Colorectal cancer, susceptibility to, 10. Identifiers: Orphanet 220460, MedGen C2675481, MONDO:0012953, OMIM 612591.

gnomAD v4.1: 2 of 1,612,898 alleles (0.00012%); highest among the groups gnomAD compares: South Asian, 0.0011%; no homozygotes.

Submission:

Labcorp Genetics (formerly Invitae), Labcorp
Classification: Uncertain significance for POLD1-related polyposis and colorectal cancer syndrome. Last evaluated: 2023-04-14. Review status: criteria provided, single submitter. Criteria: Invitae Variant Classification Sherloc (09022015). Collection method: clinical testing. Allele origin: germline.
Comment: This variant has not been reported in the literature in individuals affected with POLD1-related conditions. This sequence change replaces threonine, which is neutral and polar, with alanine, which is neutral and non-polar, at codon 258 of the POLD1 protein (p.Thr258Ala). This variant is present in population databases (no rsID available, gnomAD 0.003%). Advanced modeling of protein sequence and biophysical properties (such as structural, functional, and spatial information, amino acid conservation, physicochemical variation, residue mobility, and thermodynamic stability) performed at Invitae indicates that this missense variant is not expected to disrupt POLD1 protein function. In summary, the available evidence is currently insufficient to determine the role of this variant in disease. Therefore, it has been classified as a Variant of Uncertain Significance.